The following is an entry in ClinVar:

NM_000264.5(PTCH1):c.2170G>T (p.Glu724Ter)

Genes: PTCH1 (patched 1; minus strand), LOC100507346 (uncharacterized LOC100507346; plus strand). Cytogenetic location: 9q22.32.
Variant type: single nucleotide variant.
Coding change: c.2170G>T on transcript NM_000264.5 (MANE Select); coding-DNA position 2170, G replaced by T.
Protein change: p.Glu724Ter; replaces glutamic acid 724 with a stop codon.
Molecular consequence: nonsense. On other transcripts: non-coding transcript variant (2).
Genome position (GRCh38, 1-based): chr9:95,468,831, C>A on the plus strand (G>T on the coding strand, the complement: PTCH1 is on the minus strand). VCF-style: chr9-95468831-C-A. GRCh37 (hg19) VCF-style: chr9-98231113-C-A.
Other names: c.1972G>T, p.Glu658Ter (NM_001083602.3); c.2167G>T, p.Glu723Ter (NM_001083603.3); c.1717G>T, p.Glu573Ter (NM_001083604.3, NM_001083605.3, NM_001083606.3 and 1 more transcripts); c.2014G>T, p.Glu672Ter (NM_001354918.2); short protein forms E723*, E658*, E672*, E724*, E573*.
Identifiers: ClinVar variation 4056127 (VCV004056127.3).
Genomic context (GRCh38, chr9:95,468,831, plus strand): 5'-GGAAAGGAGCATAGTGCTTCTCAGCAAAAGATGAGAGTGTCCACTTCGTACAGGGGGGCT[C>A]GAGGCAGTGGAGGCTGGAGTCGGAGAACTGGGAGAGCAGGTCCCTTGTGGAGCTGGTGCT-3'

ClinVar aggregate classification (germline): Pathogenic. Review status: criteria provided, multiple submitters, no conflicts (2 of 4 stars). 2 submissions from 2 submitters: Pathogenic (2). Last evaluated 2025-06-17.

Conditions:
Basal cell nevus syndrome 1 (BCNS1). Also called: GORLIN-GOLTZ SYNDROME; MULTIPLE BASAL CELL NEVI, ODONTOGENIC KERATOCYSTS, AND SKELETAL ANOMALIES. Identifiers: MedGen CN376810, MONDO:0958174, OMIM 109400.
PTCH1-related disorder. Also called: PTCH1-related disorders; PTCH1-related condition.

Submissions (2):

St. Jude Molecular Pathology, St. Jude Children's Research Hospital
Classification: Pathogenic for Basal cell nevus syndrome 1. Last evaluated: 2025-06-17. Review status: criteria provided, single submitter. Criteria: St. Jude Assertion Criteria 2020. Collection method: clinical testing. Allele origin: germline.
Comment: The PTCH1 c.2170G>T p.(Glu724Ter) change is a nonsense variant that is predicted to cause premature protein truncation or absence of protein due to nonsense-mediated decay. This variant has been reported in at least one individual with nevoid basal cell carcinoma syndrome (PMID: 29575684, 31374299). This variant is absent in gnomAD v2.1.1. In summary, this variant meets criteria to be classified as pathogenic.

PreventionGenetics, part of Exact Sciences
Classification: Pathogenic for PTCH1-related condition. Last evaluated: 2025-06-06. Review status: criteria provided, single submitter. Criteria: ACMG Guidelines, 2015. Collection method: clinical testing. Allele origin: germline.
Comment: The PTCH1 c.2170G>T variant is predicted to result in premature protein termination (p.Glu724*). This variant has been reported in an individual with clinical features consistent with basal cell cell nevus syndrome (Reinders et al. 2018. PubMed ID: 29575684). This variant has not been reported in a large population database (gnomAD), indicating this variant is rare. At the time of reporting, this variant was not present in ClinVar, but several downstream truncations are listed as pathogenic suggesting this variant is also disruptive. Nonsense variants in PTCH1 are expected to be pathogenic (Klein et al. 2005. PubMed ID: 16301862; Lindström et al. 2006. PubMed ID: 16419085) This variant is interpreted as pathogenic.